The following is an entry in ClinVar:

ClinVar aggregate classification (germline): Uncertain significance (1 of 4 stars; one submission).

Conditions:
Hypertrophic cardiomyopathy 13. Also called: TNNC1-Related Familial Hypertrophic Cardiomyopathy. Identifiers: MedGen C2750472, MONDO:0013195, OMIM 613243.
Dilated cardiomyopathy 1Z (CMD1Z). Identifiers: Orphanet 154, MedGen C2678475, MONDO:0012745, OMIM 611879.

Submission:

Labcorp Genetics (formerly Invitae), Labcorp
Classification: Uncertain significance for Hypertrophic cardiomyopathy 13; Dilated cardiomyopathy 1Z. Last evaluated: 2022-07-29. Review status: criteria provided, single submitter. Criteria: Invitae Variant Classification Sherloc (09022015). Collection method: clinical testing. Allele origin: germline.
Comment: In summary, the available evidence is currently insufficient to determine the role of this variant in disease. Therefore, it has been classified as a Variant of Uncertain Significance. Algorithms developed to predict the effect of missense changes on protein structure and function (SIFT, PolyPhen-2, Align-GVGD) all suggest that this variant is likely to be disruptive. This variant has not been reported in the literature in individuals affected with TNNC1-related conditions. This variant is not present in population databases (gnomAD no frequency). This sequence change replaces glycine, which is neutral and non-polar, with arginine, which is basic and polar, at codon 146 of the TNNC1 protein (p.Gly146Arg).

NM_003280.3(TNNC1):c.436G>C (p.Gly146Arg)

Gene: TNNC1 (troponin C1, slow skeletal and cardiac type; minus strand). Cytogenetic location: 3p21.1.
Variant type: single nucleotide variant.
Coding change: c.436G>C on transcript NM_003280.3 (MANE Select); coding-DNA position 436, G replaced by C.
Protein change: p.Gly146Arg; replaces glycine 146 with arginine.
Molecular consequence: missense variant.
Genome position (GRCh38, 1-based): chr3:52,451,409, C>G on the plus strand (G>C on the coding strand, the complement: TNNC1 is on the minus strand). VCF-style: chr3-52451409-C-G. GRCh37 (hg19) VCF-style: chr3-52485425-C-G.
Other names: short protein forms G146R.
Identifiers: ClinVar variation 1714147 (VCV001714147.5), dbSNP rs567327895, ClinGen allele CA353165068.